The following is an entry in ClinVar:

NM_000363.5(TNNI3):c.609C>T (p.Gly203=)

Gene: TNNI3 (troponin I3, cardiac type; minus strand). Cytogenetic location: 19q13.42.
Variant type: single nucleotide variant.
Coding change: c.609C>T on transcript NM_000363.5 (MANE Select); coding-DNA position 609, C replaced by T.
Protein change: p.Gly203=; no amino-acid change (glycine 203 retained).
Molecular consequence: synonymous variant.
Genome position (GRCh38, 1-based): chr19:55,151,858, G>A on the plus strand (C>T on the coding strand, the complement: TNNI3 is on the minus strand). VCF-style: chr19-55151858-G-A. GRCh37 (hg19) VCF-style: chr19-55663226-G-A.
Other names: p.G203G:GGC>GGT; c.609C>T (LRG_432t1).
Identifiers: ClinVar variation 137688 (VCV000137688.10), dbSNP rs587780968, ClinGen allele CA022049.

ClinVar aggregate classification (germline): Benign/Likely benign. Review status: criteria provided, multiple submitters, no conflicts (2 of 4 stars). 2 submissions from 2 submitters: Benign (1); Likely benign (1). Last evaluated 2025-07-22.

Conditions:
Hypertrophic cardiomyopathy. Also called: HYPERTROPHIC MYOCARDIOPATHY. Identifiers: Orphanet 217569, MedGen C0007194, MeSH D002312, MONDO:0005045, HP:0001639.

Allele frequency attached by ClinVar (database versions not stated): TOPMed 0.00001; gnomAD exomes 0.00002 and 0.00001; gnomAD 0.00001.

Submissions (2):

Labcorp Genetics (formerly Invitae), Labcorp
Classification: Likely benign for Hypertrophic cardiomyopathy. Last evaluated: 2025-07-22. Review status: criteria provided, single submitter. Criteria: Invitae Variant Classification Sherloc (09022015). Collection method: clinical testing. Allele origin: germline.

GeneDx
Classification: Benign. Last evaluated: 2014-05-23. Review status: criteria provided, single submitter. Criteria: GeneDx Variant Classification (06012015). Collection method: clinical testing. Allele origin: germline. Affected: yes.
Comment: This variant is considered likely benign or benign based on one or more of the following criteria: it is a conservative change, it occurs at a poorly conserved position in the protein, it is predicted to be benign by multiple in silico algorithms, and/or has population frequency not consistent with disease.